The following is an entry in ClinVar:

ClinVar aggregate classification (germline): Likely benign. Review status: criteria provided, single submitter (1 of 4 stars). 2 submissions from 2 submitters: Likely benign (1). 1 of the submissions does not count toward it. Last evaluated 2026-09-01.

Conditions:
TET3-related disorder. Also called: TET3-Related Disease; TET3-related condition.

Allele frequency attached by ClinVar (database versions not stated): TOPMed 0.00077; ESP Exome Variant Server 0.00081; 1000 Genomes Project 0.00180; 1000 Genomes Project 30x 0.00187; ExAC 0.00250.
gnomAD v4.1: 2,547 of 1,613,156 alleles (0.16%); highest among the groups gnomAD compares: South Asian, 0.65%; 11 homozygotes.

Submissions (2):

CeGaT Center for Human Genetics Tuebingen
Classification: Likely benign. Last evaluated: 2026-09-01. Review status: criteria provided, single submitter. Criteria: CeGaT Center For Human Genetics Tuebingen Variant Classification Criteria Version 2. Collection method: clinical testing. Allele origin: germline. Affected: yes. Observed: 6 variant alleles.
Comment: TET3: BP4, BP7

PreventionGenetics, part of Exact Sciences
Classification: Likely benign for TET3-related condition. Last evaluated: 2020-04-29. Review status: no assertion criteria provided. Collection method: clinical testing. Allele origin: germline. Not counted in ClinVar's aggregate classification.
Comment: This variant is classified as likely benign based on ACMG/AMP sequence variant interpretation guidelines (Richards et al. 2015 PMID: 25741868, with internal and published modifications).

NM_001287491.2(TET3):c.5151G>A (p.Ala1717=)

Gene: TET3 (tet methylcytosine dioxygenase 3; plus strand). Cytogenetic location: 2p13.1.
Variant type: single nucleotide variant.
Coding change: c.5151G>A on transcript NM_001287491.2 (MANE Select); coding-DNA position 5151, G replaced by A.
Protein change: p.Ala1717=; no amino-acid change (alanine 1717 retained).
Molecular consequence: synonymous variant.
Genome position (GRCh38, 1-based): chr2:74,101,939, G>A. VCF-style: chr2-74101939-G-A. GRCh37 (hg19) VCF-style: chr2-74329066-G-A.
Other names: c.4872G>A, p.Ala1624= (NM_001366022.1); c.4746G>A, p.Ala1582= (NM_144993.1); c.5151G>A (NM_001287491.1).
Identifiers: ClinVar variation 2651060 (VCV002651060.25), dbSNP rs201890863, ClinGen allele CA1719354.